The following is an entry in ClinVar:

NM_018960.6(GNMT):c.61C>T (p.Gln21Ter)

Genes: CNPY3-GNMT (CNPY3-GNMT readthrough; plus strand), GNMT (glycine N-methyltransferase; plus strand). Cytogenetic location: 6p21.1.
Variant type: single nucleotide variant.
Coding change: c.61C>T on transcript NM_018960.6 (MANE Select); coding-DNA position 61, C replaced by T.
Protein change: p.Gln21Ter; replaces glutamine 21 with a stop codon.
Molecular consequence: nonsense. On other transcripts: non-coding transcript variant (1), intron variant (3).
Genome position (GRCh38, 1-based): chr6:42,960,828, C>T. VCF-style: chr6-42960828-C-T. GRCh37 (hg19) VCF-style: chr6-42928566-C-T.
Other names: c.61C>T, p.Gln21Ter (NM_001318865.2); c.9-1384C>T (NM_001318856.2); c.152-1934C>T (NM_001318857.2, NM_001318858.2); short protein forms Q21*.
Identifiers: ClinVar variation 1800972 (VCV001800972.1), dbSNP rs2481163170, ClinGen allele CA364143216.

ClinVar aggregate classification (germline): Uncertain significance (1 of 4 stars; one submission).

Allele frequency attached by ClinVar (database versions not stated): gnomAD exomes below 0.00001.

Submission:

GeneDx
Classification: Uncertain significance. Last evaluated: 2022-11-17. Review status: criteria provided, single submitter. Criteria: GeneDx Variant Classification Process June 2021. Collection method: clinical testing. Allele origin: germline. Affected: yes.
Comment: Not observed in large population cohorts (gnomAD); Nonsense variant predicted to result in protein truncation or nonsense mediated decay in a gene for which loss-of-function is not a known mechanism of disease; Has not been previously published as pathogenic or benign to our knowledge